The following is an entry in ClinVar:

ClinVar aggregate classification (germline): Uncertain significance (1 of 4 stars; one submission).

Conditions:
Isolated focal cortical dysplasia type II (FCORD2). Also called: CORTICAL DYSPLASIA OF TAYLOR; Focal cortical dysplasia type II. Identifiers: Orphanet 268994, MedGen C1846385, MONDO:0011818, OMIM 607341, HP:0032051.
Lymphangiomyomatosis (LAM). Also called: Lymphangioleiomyomatosis, somatic; Lymphangioleiomyomatosis. Identifiers: Orphanet 538, MedGen C0751674, MONDO:0011705, OMIM 606690.
Tuberous sclerosis 2 (TSC2). Identifiers: Orphanet 805, MedGen C1860707, MONDO:0013199, OMIM 613254.

Submission:

Center for Genomics, Ann and Robert H. Lurie Children's Hospital of Chicago
Classification: Uncertain significance for Lymphangiomyomatosis; Isolated focal cortical dysplasia type II; Tuberous sclerosis 2. Review status: criteria provided, single submitter. Criteria: ACMG Guidelines, 2015. Collection method: clinical testing. Allele origin: germline.
Comment: TSC2 NM_000548.4 exon 20 c.2098-3C>A: This variant has not been reported in the literature and is not present in large control databases. Evolutionary conservation and computational predictive tools for this variant are limited or unavailable. This variant is an intronic variant with no predicted change in the amino acid sequence but may have an unknown effect on splicing. Further studies are needed to understand its impact. In summary, data on this variant is insufficient for disease classification. Therefore, the clinical significance of this variant is uncertain.

NM_000548.5(TSC2):c.2098-3C>A

Gene: TSC2 (TSC complex subunit 2; plus strand). Cytogenetic location: 16p13.3.
Variant type: single nucleotide variant.
Coding change: c.2098-3C>A on transcript NM_000548.5 (MANE Select); 3 bases into the intron before coding-DNA position 2098, C replaced by A.
Molecular consequence: intron variant.
Genome position (GRCh38, 1-based): chr16:2,072,238, C>A. VCF-style: chr16-2072238-C-A. GRCh37 (hg19) VCF-style: chr16-2122239-C-A.
Other names: c.2098-3C>A (NM_001114382.3, NM_021055.3, NM_001370405.1 and 3 more transcripts); c.1987-3C>A (NM_001318827.2); c.1498-3C>A (NM_001318831.2); c.1951-3C>A (NM_001318829.2); c.2131-3C>A (NM_001318832.2).
Identifiers: ClinVar variation 828014 (VCV000828014.3), dbSNP rs876660489, ClinGen allele CA915946256.
Genomic context (GRCh38, chr16:2,072,238, plus strand): 5'-CTAGCTTCCGCCTCTGTCTCTAGGGTCCAGAAGGCCCTGTCCTGACGCCTCCTCTCCTCG[C>A]AGGAGTCTGACTGGAAGGTGCTGAAGCTGGTTCTGGGCAGGCTGCCTGAGTCCCTGCGCT-3'